The following is an entry in ClinVar:

ClinVar aggregate classification (germline): Uncertain significance. Review status: criteria provided, multiple submitters, no conflicts (2 of 4 stars). 2 submissions from 2 submitters: Uncertain significance (2). Last evaluated 2025-11-16.

Conditions:
Familial thoracic aortic aneurysm and aortic dissection (TAAD). Also called: Thoracic aortic aneurysms and dissections. Identifiers: Orphanet 91387, MedGen C4707243, MONDO:0019625.
Ehlers-Danlos syndrome, kyphoscoliotic type 1 (EDSKSCL1). Also called: EHLERS-DANLOS SYNDROME, OCULAR-SCOLIOTIC TYPE; Ehlers-Danlos syndrome, hydroxylysine-deficient; PLOD1-Related Kyphoscoliotic Ehlers-Danlos Syndrome; EHLERS-DANLOS SYNDROME, TYPE VIA. Identifiers: Orphanet 1900, MedGen C0268342, MONDO:0016002, OMIM 225400. Disease mechanism: loss of function.

gnomAD v4.1: 3 of 1,613,946 alleles (0.00019%); highest among the groups gnomAD compares: Admixed American, 0.005%; no homozygotes.

Submissions (2):

Ambry Genetics
Classification: Uncertain significance for Familial thoracic aortic aneurysm and aortic dissection. Last evaluated: 2025-11-16. Review status: criteria provided, single submitter. Criteria: Ambry Variant Classification Scheme 2023. Collection method: clinical testing. Allele origin: germline.
Comment: The p.P406A variant (also known as c.1216C>G), located in coding exon 12 of the PLOD1 gene, results from a C to G substitution at nucleotide position 1216. The proline at codon 406 is replaced by alanine, an amino acid with highly similar properties. This amino acid position is highly conserved in available vertebrate species. In addition, this alteration is predicted to be deleterious by in silico analysis. Since supporting evidence is limited at this time, the clinical significance of this alteration remains unclear.

Labcorp Genetics (formerly Invitae), Labcorp
Classification: Uncertain significance for Ehlers-Danlos syndrome, kyphoscoliotic type 1. Last evaluated: 2021-09-01. Review status: criteria provided, single submitter. Criteria: Invitae Variant Classification Sherloc (09022015). Collection method: clinical testing. Allele origin: germline.
Comment: This sequence change replaces proline with alanine at codon 406 of the PLOD1 protein (p.Pro406Ala). The proline residue is highly conserved and there is a small physicochemical difference between proline and alanine. This variant is present in population databases (rs760764359, ExAC 0.009%). This variant has not been reported in the literature in individuals affected with PLOD1-related conditions. ClinVar contains an entry for this variant (Variation ID: 520125). Algorithms developed to predict the effect of missense changes on protein structure and function (SIFT, PolyPhen-2, Align-GVGD) all suggest that this variant is likely to be disruptive. In summary, the available evidence is currently insufficient to determine the role of this variant in disease. Therefore, it has been classified as a Variant of Uncertain Significance.

NM_000302.4(PLOD1):c.1216C>G (p.Pro406Ala)

Gene: PLOD1 (procollagen-lysine,2-oxoglutarate 5-dioxygenase 1; plus strand). Cytogenetic location: 1p36.22.
Variant type: single nucleotide variant.
Coding change: c.1216C>G on transcript NM_000302.4 (MANE Select); coding-DNA position 1216, C replaced by G.
Protein change: p.Pro406Ala; replaces proline 406 with alanine.
Molecular consequence: missense variant.
Genome position (GRCh38, 1-based): chr1:11,964,188, C>G. VCF-style: chr1-11964188-C-G. GRCh37 (hg19) VCF-style: chr1-12024245-C-G.
Other names: c.1357C>G, p.Pro453Ala (NM_001316320.2); short protein forms P406A, P453A.
Identifiers: ClinVar variation 520125 (VCV000520125.12), dbSNP rs760764359, ClinGen allele CA598331.